The following is an entry in ClinVar:

ClinVar aggregate classification (germline): Uncertain significance (1 of 4 stars; one submission).

Conditions:
Alstrom syndrome (ALMS). Identifiers: Orphanet 64, MedGen C0268425, MONDO:0008763, OMIM 203800.

Allele frequency attached by ClinVar (database versions not stated): TOPMed below 0.00001.

Submission:

Labcorp Genetics (formerly Invitae), Labcorp
Classification: Uncertain significance for Alstrom syndrome. Last evaluated: 2022-06-25. Review status: criteria provided, single submitter. Criteria: Invitae Variant Classification Sherloc (09022015). Collection method: clinical testing. Allele origin: germline.
Comment: In summary, the available evidence is currently insufficient to determine the role of this variant in disease. Therefore, it has been classified as a Variant of Uncertain Significance. Experimental studies and prediction algorithms are not available or were not evaluated, and the functional significance of this variant is currently unknown. This variant has not been reported in the literature in individuals affected with ALMS1-related conditions. This variant is not present in population databases (gnomAD no frequency). This sequence change replaces leucine, which is neutral and non-polar, with proline, which is neutral and non-polar, at codon 1122 of the ALMS1 protein (p.Leu1122Pro).

NM_001378454.1(ALMS1):c.3362T>C (p.Leu1121Pro)

Gene: ALMS1 (ALMS1 centrosome and basal body associated protein; plus strand). Cytogenetic location: 2p13.1.
Variant type: single nucleotide variant.
Coding change: c.3362T>C on transcript NM_001378454.1 (MANE Select); coding-DNA position 3362, T replaced by C.
Protein change: p.Leu1121Pro; replaces leucine 1121 with proline.
Molecular consequence: missense variant.
Genome position (GRCh38, 1-based): chr2:73,449,889, T>C. VCF-style: chr2-73449889-T-C. GRCh37 (hg19) VCF-style: chr2-73677016-T-C.
Other names: c.3365T>C, p.Leu1122Pro (NM_015120.4); short protein forms L1121P, L1122P.
Identifiers: ClinVar variation 2010463 (VCV002010463.2), dbSNP rs1671891501, ClinGen allele CA347275356.
Genomic context (GRCh38, chr2:73,449,889, plus strand): 5'-AGAAGCCTGGTATTTTCTACCAACAGACCTTGCCAGAGAGTCATCTGCCTAAAGAGGCTC[T>C]GAAAATTTCAGTAGCTCCTGGACTAGCAGACCAGAAGACTGGCACACCAACTGTAACCTC-3'
Protein context (NP_001365383.1, residues 1111-1131): LPESHLPKEA[Leu1121Pro]KISVAPGLAD